The following is an entry in ClinVar:

ClinVar aggregate classification (germline): Likely benign (1 of 4 stars; one submission).

Allele frequency attached by ClinVar (database versions not stated): ExAC 0.00020; 1000 Genomes Project 30x 0.00031; gnomAD exomes 0.00019; gnomAD 0.00032; ESP Exome Variant Server 0.00034; 1000 Genomes Project 0.00040.

Submission:

CeGaT Center for Human Genetics Tuebingen
Classification: Likely benign. Last evaluated: 2022-07-01. Review status: criteria provided, single submitter. Criteria: CeGaT Center For Human Genetics Tuebingen Variant Classification Criteria Version 2. Collection method: clinical testing. Allele origin: germline. Affected: yes. Observed: 1 variant allele.
Comment: OR1D5: BP4, BP7

NM_014566.1(OR1D5):c.900G>A (p.Pro300=)

Gene: OR1D5 (olfactory receptor family 1 subfamily D member 5; minus strand). Cytogenetic location: 17p13.3.
Variant type: single nucleotide variant.
Coding change: c.900G>A on transcript NM_014566.1 (MANE Select); coding-DNA position 900, G replaced by A.
Protein change: p.Pro300=; no amino-acid change (proline 300 retained).
Molecular consequence: synonymous variant.
Genome position (GRCh38, 1-based): chr17:3,062,708, C>T on the plus strand (G>A on the coding strand, the complement: OR1D5 is on the minus strand). VCF-style: chr17-3062708-C-T. GRCh37 (hg19) VCF-style: chr17-2966002-C-T.
Identifiers: ClinVar variation 2647228 (VCV002647228.24), dbSNP rs369254607, ClinGen allele CA8285981.